The following is an entry in ClinVar:

NM_002519.3(NPAT):c.1556C>G (p.Ala519Gly)

Gene: NPAT (nuclear protein, coactivator of histone transcription; minus strand). Cytogenetic location: 11q22.3.
Variant type: single nucleotide variant.
Coding change: c.1556C>G on transcript NM_002519.3 (MANE Select); coding-DNA position 1556, C replaced by G.
Protein change: p.Ala519Gly; replaces alanine 519 with glycine.
Molecular consequence: missense variant.
Genome position (GRCh38, 1-based): chr11:108,173,428, G>C on the plus strand (C>G on the coding strand, the complement: NPAT is on the minus strand). VCF-style: chr11-108173428-G-C. GRCh37 (hg19) VCF-style: chr11-108044155-G-C.
Other names: c.1556C>G, p.Ala519Gly (NM_001321307.1); short protein forms A519G.
Identifiers: ClinVar variation 1775156 (VCV001775156.2), dbSNP rs2496720884, ClinGen allele CA382514879.

ClinVar aggregate classification (germline): Uncertain significance (1 of 4 stars; one submission).

Submission:

Ambry Genetics
Classification: Uncertain significance. Last evaluated: 2021-09-07. Review status: criteria provided, single submitter. Criteria: Ambry Variant Classification Scheme 2023. Collection method: clinical testing. Allele origin: germline.
Comment: The p.A519G variant (also known as c.1556C>G), located in coding exon 13 of the NPAT gene, results from a C to G substitution at nucleotide position 1556. The alanine at codon 519 is replaced by glycine, an amino acid with similar properties. This amino acid position is conserved. In addition, this alteration is predicted to be tolerated by in silico analysis. Since supporting evidence is limited at this time, the clinical significance of this alteration remains unclear.